The following is an entry in ClinVar:

NM_001853.4(COL9A3):c.1174C>T (p.Pro392Ser)

Gene: COL9A3 (collagen type IX alpha 3 chain; plus strand). Cytogenetic location: 20q13.33.
Variant type: single nucleotide variant.
Coding change: c.1174C>T on transcript NM_001853.4 (MANE Select); coding-DNA position 1174, C replaced by T.
Protein change: p.Pro392Ser; replaces proline 392 with serine.
Molecular consequence: missense variant.
Genome position (GRCh38, 1-based): chr20:62,830,372, C>T. VCF-style: chr20-62830372-C-T. GRCh37 (hg19) VCF-style: chr20-61461724-C-T.
Other names: short protein forms P392S.
Identifiers: ClinVar variation 1306335 (VCV001306335.6), dbSNP rs2147216914, ClinGen allele CA409594471.
Genomic context (GRCh38, chr20:62,830,372, plus strand): 5'-CTCCTCGAACCCTGAGACATCCGCTCACACCTCACCTTTGTCTTCCAGGGGGCCCTCGGC[C>T]CACAAGGCCCTCCCGGAGCCCCTGGTGTCCGAGGCTTCCAGGTGGGTGAGGTTGGGGCAA-3'
Protein context (NP_001844.3, residues 382-402): GHRGSAGALG[Pro392Ser]QGPPGAPGVR

ClinVar aggregate classification (germline): Uncertain significance. Review status: criteria provided, multiple submitters, no conflicts (2 of 4 stars). 2 submissions from 2 submitters: Uncertain significance (2). Last evaluated 2025-10-26.

Allele frequency attached by ClinVar (database versions not stated): gnomAD exomes below 0.00001.

Submissions (2):

Labcorp Genetics (formerly Invitae), Labcorp
Classification: Uncertain significance. Last evaluated: 2025-10-26. Review status: criteria provided, single submitter. Criteria: Invitae Variant Classification Sherloc (09022015). Collection method: clinical testing. Allele origin: germline.
Comment: This sequence change replaces proline, which is neutral and non-polar, with serine, which is neutral and polar, at codon 392 of the COL9A3 protein (p.Pro392Ser). This variant is not present in population databases (gnomAD no frequency). This variant has not been reported in the literature in individuals affected with COL9A3-related conditions. ClinVar contains an entry for this variant (Variation ID: 1306335). Invitae Evidence Modeling of protein sequence and biophysical properties (such as structural, functional, and spatial information, amino acid conservation, physicochemical variation, residue mobility, and thermodynamic stability) indicates that this missense variant is not expected to disrupt COL9A3 protein function with a negative predictive value of 95%. In summary, the available evidence is currently insufficient to determine the role of this variant in disease. Therefore, it has been classified as a Variant of Uncertain Significance.

GeneDx
Classification: Uncertain significance. Last evaluated: 2019-06-07. Review status: criteria provided, single submitter. Criteria: GeneDx Variant Classification Process June 2021. Collection method: clinical testing. Allele origin: germline. Affected: yes.
Comment: Has not been previously published as pathogenic or benign to our knowledge; Not observed in large population cohorts (Lek et al., 2016); In silico analysis, which includes protein predictors and evolutionary conservation, supports that this variant does not alter protein structure/function